The following is an entry in ClinVar:

NM_004214.5(FIBP):c.1055T>G (p.Leu352Arg)

Gene: FIBP (FGF1 intracellular binding protein; minus strand). Cytogenetic location: 11q13.1.
Variant type: single nucleotide variant.
Coding change: c.1055T>G on transcript NM_004214.5 (MANE Select); coding-DNA position 1055, T replaced by G.
Protein change: p.Leu352Arg; replaces leucine 352 with arginine.
Molecular consequence: missense variant.
Genome position (GRCh38, 1-based): chr11:65,883,993, A>C on the plus strand (T>G on the coding strand, the complement: FIBP is on the minus strand). VCF-style: chr11-65883993-A-C. GRCh37 (hg19) VCF-style: chr11-65651464-A-C.
Other names: c.1076T>G, p.Leu359Arg (NM_198897.2); short protein forms L352R, L359R.
Identifiers: ClinVar variation 2409778 (VCV002409778.4), dbSNP rs36080962, ClinGen allele CA6111288.

ClinVar aggregate classification (germline): Uncertain significance. Review status: criteria provided, multiple submitters, no conflicts (2 of 4 stars). 2 submissions from 2 submitters: Uncertain significance (2). Last evaluated 2024-03-31.

Conditions:
Tall stature-intellectual disability-renal anomalies syndrome. Also called: Thauvin-Robinet-Faivre syndrome. Identifiers: Orphanet 500095, MedGen C4310715, MONDO:0014918, OMIM 617107.
Inborn genetic diseases. Identifiers: MedGen C0950123, MeSH D030342.

Allele frequency attached by ClinVar (database versions not stated): gnomAD 0.00040; TOPMed 0.00041; ExAC 0.00052; ESP Exome Variant Server 0.00054; 1000 Genomes Project 0.00060; gnomAD exomes 0.00081; 1000 Genomes Project 30x 0.00109.
gnomAD v4.1: 1,246 of 1,613,996 alleles (0.077%); highest among the groups gnomAD compares: Non-Finnish European, 0.1%; 2 homozygotes.

Submissions (2):

Ambry Genetics
Classification: Uncertain significance for Inborn genetic diseases. Last evaluated: 2024-03-31. Review status: criteria provided, single submitter. Criteria: Ambry Variant Classification Scheme 2023. Collection method: clinical testing. Allele origin: germline.

Pittsburgh Clinical Genomics Laboratory, University of Pittsburgh Medical Center
Classification: Uncertain significance for Tall stature-intellectual disability-renal anomalies syndrome. Last evaluated: 2022-06-03. Review status: criteria provided, single submitter. Criteria: ACMG Guidelines, 2015. Collection method: clinical testing. Allele origin: germline. Inheritance: Autosomal recessive inheritance. Affected: yes.
Comment: This sequence variant is a single nucleotide substitution (T>G) at position 1055 of the coding sequence of the FIBP gene that results in a leucine to arginine amino acid change at residue 352 of the FIBP protein. This variant is present in control population datasets (gnomAD database, 106 of 280,878 alleles, 0.04%) but is absent from online datasets of clinically annotated variants (ClinVar). To our knowledge, this variant has not been observed in an individual with an FIBP-related disorder in the published literature. Multiple bioinformatic tools predict that this leucine to arginine amino acid change would be damaging, and the Leu352 residue is strongly conserved across the vertebrate species examined. Studies examining the functiol consequence of this variant have not been published, to our knowledge. At this time, there is insufficient evidence to determine if this variant is pathogenic or benign. Therefore, we consider this a variant of uncertain significance. ACMG Criteria: PP3